The following is an entry in ClinVar:

NM_153240.5(NPHP3):c.3115A>G (p.Lys1039Glu)

Genes: NPHP3 (nephrocystin 3; minus strand), NPHP3-ACAD11 (NPHP3-ACAD11 readthrough (NMD candidate); minus strand). Cytogenetic location: 3q22.1.
Variant type: single nucleotide variant.
Coding change: c.3115A>G on transcript NM_153240.5 (MANE Select); coding-DNA position 3115, A replaced by G.
Protein change: p.Lys1039Glu; replaces lysine 1039 with glutamic acid.
Molecular consequence: missense variant. On other transcripts: non-coding transcript variant (1).
Genome position (GRCh38, 1-based): chr3:132,688,660, T>C on the plus strand (A>G on the coding strand, the complement: NPHP3 is on the minus strand). VCF-style: chr3-132688660-T-C. GRCh37 (hg19) VCF-style: chr3-132407504-T-C.
Other names: short protein forms K1039E.
Identifiers: ClinVar variation 3347523 (VCV003347523.1).
Genomic context (GRCh38, chr3:132,688,660, plus strand): 5'-CTGTAATCCCCCTGCATAAAATCAGGTATTACTGATCTAAAAAATCTTACTTATTTTGTT[T>C]CTGGTACAAAGTTGCAAGTGCTTCAAGTTCACGAGCAGTATATGGATGGTCCGCACCATA-3'
Protein context (NP_694972.3, residues 1029-1049): ELEALATLYQ[Lys1039Glu]QNKYEQAEHF

ClinVar aggregate classification (germline): Uncertain significance (0 of 4 stars; one submission).

Conditions:
NPHP3-related disorder. Also called: NPHP3-related disorders; NPHP3-related condition. Identifiers: MedGen CN379163.

Submission:

PreventionGenetics, part of Exact Sciences
Classification: Uncertain significance for NPHP3-related condition. Last evaluated: 2024-05-17. Review status: no assertion criteria provided. Collection method: clinical testing. Allele origin: germline.
Comment: The NPHP3 c.3115A>G variant is predicted to result in the amino acid substitution p.Lys1039Glu. To our knowledge, this variant has not been reported in the literature or in a large population database, indicating this variant is rare. At this time, the clinical significance of this variant is uncertain due to the absence of conclusive functional and genetic evidence.